The following is an entry in ClinVar:

NM_017617.5(NOTCH1):c.4864C>T (p.Arg1622Cys)

Gene: NOTCH1 (notch receptor 1; minus strand). Cytogenetic location: 9q34.3.
Variant type: single nucleotide variant.
Coding change: c.4864C>T on transcript NM_017617.5 (MANE Select); coding-DNA position 4864, C replaced by T.
Protein change: p.Arg1622Cys; replaces arginine 1622 with cysteine.
Molecular consequence: missense variant.
Genome position (GRCh38, 1-based): chr9:136,504,827, G>A on the plus strand (C>T on the coding strand, the complement: NOTCH1 is on the minus strand). VCF-style: chr9-136504827-G-A. GRCh37 (hg19) VCF-style: chr9-139399279-G-A.
Other names: c.4864C>T (NM_017617.4, NM_017617.3); short protein forms R1622C.
Identifiers: ClinVar variation 1979724 (VCV001979724.7), dbSNP rs747447584, ClinGen allele CA5340505.

ClinVar aggregate classification (germline): Conflicting classifications of pathogenicity. Review status: criteria provided, conflicting classifications (1 of 4 stars). 4 submissions from 4 submitters: Uncertain significance (1); Likely benign (3). Last evaluated 2026-08-18.

Conditions:
Adams-Oliver syndrome 5 (AOS5). Identifiers: Orphanet 974, MedGen C4014970, MONDO:0014459, OMIM 616028.
NOTCH1-related disorder. Also called: NOTCH1-related disorders; NOTCH1-related condition.
Familial thoracic aortic aneurysm and aortic dissection (TAAD). Also called: Thoracic aortic aneurysms and dissections. Identifiers: Orphanet 91387, MedGen C4707243, MONDO:0019625.

Allele frequency attached by ClinVar (database versions not stated): gnomAD exomes 0.00003; ExAC 0.00004; TOPMed 0.00009; gnomAD 0.00011.
gnomAD v4.1: 64 of 1,573,836 alleles (0.0041%); highest among the groups gnomAD compares: African/African-American, 0.023%; no homozygotes.

Submissions (4):

PreventionGenetics, part of Exact Sciences
Classification: Likely benign for NOTCH1-related condition. Last evaluated: 2026-08-18. Review status: criteria provided, single submitter. Criteria: ACMG Guidelines, 2015. Collection method: clinical testing. Allele origin: germline.
Comment: This variant is classified as likely benign based on ACMG/AMP sequence variant interpretation guidelines (Richards et al. 2015 PMID: 25741868, with internal and published modifications).

Ambry Genetics
Classification: Uncertain significance for Familial thoracic aortic aneurysm and aortic dissection. Last evaluated: 2025-06-22. Review status: criteria provided, single submitter. Criteria: Ambry Variant Classification Scheme 2023. Collection method: clinical testing. Allele origin: germline.

Labcorp Genetics (formerly Invitae), Labcorp
Classification: Likely benign for Adams-Oliver syndrome 5. Last evaluated: 2025-02-13. Review status: criteria provided, single submitter. Criteria: Invitae Variant Classification Sherloc (09022015). Collection method: clinical testing. Allele origin: germline.

Blueprint Genetics
Classification: Likely benign. Last evaluated: 2024-09-09. Review status: criteria provided, single submitter. Criteria: ACMG Guidelines, 2015. Collection method: clinical testing. Allele origin: germline.